The following is an entry in ClinVar:

NM_052867.4(NALCN):c.4934C>T (p.Pro1645Leu)

Genes: NALCN-AS1 (NALCN antisense RNA 1; plus strand), NALCN (sodium leak channel, non-selective; minus strand). Cytogenetic location: 13q32.3.
Variant type: single nucleotide variant.
Coding change: c.4934C>T on transcript NM_052867.4 (MANE Select); coding-DNA position 4934, C replaced by T.
Protein change: p.Pro1645Leu; replaces proline 1645 with leucine.
Molecular consequence: missense variant. On other transcripts: non-coding transcript variant (1).
Genome position (GRCh38, 1-based): chr13:101,058,028, G>A on the plus strand (C>T on the coding strand, the complement: NALCN is on the minus strand). VCF-style: chr13-101058028-G-A. GRCh37 (hg19) VCF-style: chr13-101710380-G-A.
Other names: c.5021C>T, p.Pro1674Leu (NM_001350748.2); c.4934C>T, p.Pro1645Leu (NM_001350749.2); c.4847C>T, p.Pro1616Leu (NM_001350750.2, NM_001350751.2); short protein forms P1616L, P1645L, P1674L.
Identifiers: ClinVar variation 4813903 (VCV004813903.1).
Genomic context (GRCh38, chr13:101,058,028, plus strand): 5'-CTCTGGGGTTTCCCTGCGTCGGCTGCATCTTGCCGACTTCCTCCTCGATCCGACAGCGTG[G>A]GGCTCAGGAGCTGCTGCTGGCTGCTTGTCTGCATGGGAGGAGAAGCACACAGTTACCGTC-3'
Protein context (NP_443099.1, residues 1635-1655): ETSSQQQLLS[Pro1645Leu]TLSDRGGSRQ

ClinVar aggregate classification (germline): Uncertain significance (1 of 4 stars; one submission).

gnomAD v4.1: 12 of 1,613,412 alleles (0.00074%); highest among the groups gnomAD compares: Non-Finnish European, 0.001%; no homozygotes.

Submission:

GeneDx
Classification: Uncertain significance. Last evaluated: 2025-09-20. Review status: criteria provided, single submitter. Criteria: GeneDx Variant Classification Process June 2021. Collection method: clinical testing. Allele origin: germline. Affected: yes.
Comment: In silico analysis supports that this missense variant has a deleterious effect on protein structure/function; Has not been previously published as pathogenic or benign to our knowledge